The following is an entry in ClinVar:

ClinVar aggregate classification (germline): Benign/Likely benign. Review status: criteria provided, multiple submitters, no conflicts (2 of 4 stars). 7 submissions from 7 submitters: Benign (4); Likely benign (1). 2 of the submissions do not count toward it. Last evaluated 2026-02-23.

Conditions:
Left ventricular noncompaction 8 (LVNC8). Identifiers: Orphanet 154, Orphanet 54260, MedGen C3809288, MONDO:0014152, OMIM 615373.

Allele frequency attached by ClinVar (database versions not stated): gnomAD 0.00028 and 0.00042; gnomAD exomes 0.00033 and 0.00112; TOPMed 0.00072; ExAC 0.00122; 1000 Genomes Project 30x 0.00172; 1000 Genomes Project 0.00200.
gnomAD v4.1: 560 of 1,607,760 alleles (0.035%); highest among the groups gnomAD compares: East Asian, 0.98%; 3 homozygotes.

Submissions (7):

Women's Health and Genetics/Laboratory Corporation of America, LabCorp
Classification: Benign. Last evaluated: 2026-02-23. Review status: criteria provided, single submitter. Criteria: LabCorp Variant Classification Summary - May 2015. Collection method: clinical testing. Allele origin: germline.

Labcorp Genetics (formerly Invitae), Labcorp
Classification: Benign for Left ventricular noncompaction 8. Last evaluated: 2025-12-24. Review status: criteria provided, single submitter. Criteria: Invitae Variant Classification Sherloc (09022015). Collection method: clinical testing. Allele origin: germline.

Blueprint Genetics
Classification: Likely benign. Last evaluated: 2024-08-08. Review status: criteria provided, single submitter. Criteria: ACMG Guidelines, 2015. Collection method: clinical testing. Allele origin: germline.

Laboratory for Molecular Medicine, Mass General Brigham Personalized Medicine
Classification: Benign. Last evaluated: 2019-07-26. Review status: criteria provided, single submitter. Criteria: ACMG Guidelines, 2015. Collection method: clinical testing. Allele origin: germline.
Comment: The p.Ser793Ser variant in PRDM16 is classified as benign because it has been identified in 1.4% (266/19190) of East Asian chromosomes by gnomAD and it is a synonymous change that does not alter an amino acid residue and is not located within the splice consensus site. Computational splice prediction tools do not predict an impact on splicing. ACMG/AMP Criteria applied: BA1, BP7.

GeneDx
Classification: Benign. Last evaluated: 2018-06-11. Review status: criteria provided, single submitter. Criteria: GeneDx Variant Classification (06012015). Collection method: clinical testing. Allele origin: germline. Affected: yes.
Comment: This variant is considered likely benign or benign based on one or more of the following criteria: it is a conservative change, it occurs at a poorly conserved position in the protein, it is predicted to be benign by multiple in silico algorithms, and/or has population frequency not consistent with disease.

Clinical Genetics DNA and cytogenetics Diagnostics Lab, Erasmus MC, Erasmus Medical Center
Classification: Benign. Review status: no assertion criteria provided. Collection method: clinical testing. Allele origin: germline. Affected: yes. Study: VKGL Data-share Consensus. Not counted in ClinVar's aggregate classification.

Clinical Genetics, Academic Medical Center
Classification: Benign. Review status: no assertion criteria provided. Collection method: clinical testing. Allele origin: germline. Affected: yes. Study: VKGL Data-share Consensus. Not counted in ClinVar's aggregate classification.

NM_022114.4(PRDM16):c.2379G>A (p.Ser793=)

Gene: PRDM16 (PR/SET domain 16; plus strand). Cytogenetic location: 1p36.32.
Variant type: single nucleotide variant.
Coding change: c.2379G>A on transcript NM_022114.4 (MANE Select); coding-DNA position 2379, G replaced by A.
Protein change: p.Ser793=; no amino-acid change (serine 793 retained).
Molecular consequence: synonymous variant.
Genome position (GRCh38, 1-based): chr1:3,412,576, G>A. VCF-style: chr1-3412576-G-A. GRCh37 (hg19) VCF-style: chr1-3329140-G-A.
Other names: c.2379G>A, p.Ser793= (NM_199454.3).
Identifiers: ClinVar variation 413873 (VCV000413873.20), dbSNP rs368154998, ClinGen allele CA544457.
Genomic context (GRCh38, chr1:3,412,576, plus strand): 5'-TGATCTCACCACCAAGCCCAAAGACGTGAAGCCCATCCTGCCCATGCCCAAGGGCCCCTC[G>A]GCCCCCGCATCCGGCGAGGAGCAGCCGCTGGACCTGAGCATCGGCAGCCGGGCCCGTGCC-3'
Protein context (NP_071397.3, residues 783-803): KPILPMPKGP[Ser793=]APASGEEQPL